The following is an entry in ClinVar:

NM_001244008.2(KIF1A):c.2143C>G (p.Leu715Val)

Gene: KIF1A (kinesin family member 1A; minus strand). Cytogenetic location: 2q37.3.
Variant type: single nucleotide variant.
Coding change: c.2143C>G on transcript NM_001244008.2 (MANE Select); coding-DNA position 2143, C replaced by G.
Protein change: p.Leu715Val; replaces leucine 715 with valine.
Molecular consequence: missense variant.
Genome position (GRCh38, 1-based): chr2:240,761,351, G>C on the plus strand (C>G on the coding strand, the complement: KIF1A is on the minus strand). VCF-style: chr2-240761351-G-C. GRCh37 (hg19) VCF-style: chr2-241700768-G-C.
Other names: c.2143C>G, p.Leu715Val (NM_001320705.2, NM_001330289.2, NM_001379638.1); c.2218C>G, p.Leu740Val (NM_001330290.2, NM_001379631.1, NM_001379634.1 and 2 more transcripts); c.2116C>G, p.Leu706Val (NM_001379632.1, NM_001379633.1, NM_001379636.1 and 10 more transcripts); c.2191C>G, p.Leu731Val (NM_001379637.1, NM_001379648.1); short protein forms L740V, L706V, L731V, L715V.
Identifiers: ClinVar variation 1410497 (VCV001410497.6), dbSNP rs775705762, ClinGen allele CA2208172.
Genomic context (GRCh38, chr2:240,761,351, plus strand): 5'-GCAGGTCCCGCAGAGACGTGAACTGGTACCACTTCCACTTCCGGAAGGCCCAGAGCGCCA[G>C]CTCACACTCCCGCTCTGTCCACTGGACTGTGGGGAGAGGTCACACGTGGTCATCGCAGGA-3'
Protein context (NP_001230937.1, residues 705-725): EVQWTERECE[Leu715Val]ALWAFRKWKW

ClinVar aggregate classification (germline): Uncertain significance (1 of 4 stars; one submission).

Conditions:
Hereditary spastic paraplegia 30. Identifiers: Orphanet 101010, MedGen C5235139, MONDO:0012476.
Neuropathy, hereditary sensory, type 2C. Also called: Hereditary sensory and autonomic neuropathy type IIC; KIF1A-Related HSAN2 (HSAN2C). Identifiers: Orphanet 970, MedGen C3280168, MONDO:0013634, OMIM 614213.
Intellectual disability, autosomal dominant 9 (NESCAVS). Also called: NESCAV SYNDROME; KIF1A-Related Neurodevelopmental Disorder. Identifiers: Orphanet 662367, MedGen C5393830, MONDO:0013656, OMIM 614255.

Allele frequency attached by ClinVar (database versions not stated): gnomAD exomes below 0.00001; ExAC 0.00001.
gnomAD v4.1: 3 of 1,612,904 alleles (0.00019%); highest among the groups gnomAD compares: Admixed American, 0.0033%; no homozygotes.

Submission:

Labcorp Genetics (formerly Invitae), Labcorp
Classification: Uncertain significance for Hereditary spastic paraplegia 30; Neuropathy, hereditary sensory, type 2C; Intellectual disability, autosomal dominant 9. Last evaluated: 2025-05-10. Review status: criteria provided, single submitter. Criteria: Invitae Variant Classification Sherloc (09022015). Collection method: clinical testing. Allele origin: germline.
Comment: This sequence change replaces leucine, which is neutral and non-polar, with valine, which is neutral and non-polar, at codon 706 of the KIF1A protein (p.Leu706Val). This variant is present in population databases (rs775705762, gnomAD 0.003%). This variant has not been reported in the literature in individuals affected with KIF1A-related conditions. ClinVar contains an entry for this variant (Variation ID: 1410497). Invitae Evidence Modeling of protein sequence and biophysical properties (such as structural, functional, and spatial information, amino acid conservation, physicochemical variation, residue mobility, and thermodynamic stability) has been performed for this missense variant. However, the output from this modeling did not meet the statistical confidence thresholds required to predict the impact of this variant on KIF1A protein function. In summary, the available evidence is currently insufficient to determine the role of this variant in disease. Therefore, it has been classified as a Variant of Uncertain Significance.